The following is an entry in ClinVar:

NM_198586.3(NHLRC1):c.821G>T (p.Gly274Val)

Gene: NHLRC1 (NHL repeat containing E3 ubiquitin protein ligase 1; minus strand). Cytogenetic location: 6p22.3.
Variant type: single nucleotide variant.
Coding change: c.821G>T on transcript NM_198586.3 (MANE Select); coding-DNA position 821, G replaced by T.
Protein change: p.Gly274Val; replaces glycine 274 with valine.
Molecular consequence: missense variant.
Genome position (GRCh38, 1-based): chr6:18,121,786, C>A on the plus strand (G>T on the coding strand, the complement: NHLRC1 is on the minus strand). VCF-style: chr6-18121786-C-A. GRCh37 (hg19) VCF-style: chr6-18122017-C-A.
Other names: short protein forms G274V.
Identifiers: ClinVar variation 1377275 (VCV001377275.6), dbSNP rs1281512045, ClinGen allele CA362826019.

ClinVar aggregate classification (germline): Uncertain significance (1 of 4 stars; one submission).

Conditions:
Lafora disease. Also called: Epilepsy progressive myoclonic 2; Progressive Myoclonus Epilepsy, Lafora Type. Identifiers: Orphanet 501, MedGen C0751783, MONDO:0009697.

Allele frequency attached by ClinVar (database versions not stated): gnomAD 0.00001; TOPMed 0.00001.

Submission:

Labcorp Genetics (formerly Invitae), Labcorp
Classification: Uncertain significance for Lafora disease. Last evaluated: 2021-08-23. Review status: criteria provided, single submitter. Criteria: Invitae Variant Classification Sherloc (09022015). Collection method: clinical testing. Allele origin: germline.
Comment: This sequence change replaces glycine with valine at codon 274 of the NHLRC1 protein (p.Gly274Val). The glycine residue is highly conserved and there is a moderate physicochemical difference between glycine and valine. This variant is not present in population databases (ExAC no frequency). This variant has not been reported in the literature in individuals affected with NHLRC1-related conditions. Algorithms developed to predict the effect of missense changes on protein structure and function (SIFT, PolyPhen-2, Align-GVGD) all suggest that this variant is likely to be disruptive. In summary, the available evidence is currently insufficient to determine the role of this variant in disease. Therefore, it has been classified as a Variant of Uncertain Significance.